The following is an entry in ClinVar:

ClinVar aggregate classification (germline): Uncertain significance (1 of 4 stars; one submission).

Conditions:
Charcot-Marie-Tooth disease type 4. Also called: Charcot-Marie-Tooth disease, type IV; Charcot-Marie-Tooth, Type 4. Identifiers: Orphanet 64749, MedGen C4082197, MONDO:0018995.

Allele frequency attached by ClinVar (database versions not stated): gnomAD 0.00001; gnomAD exomes 0.00001; TOPMed 0.00001; ExAC 0.00003.
gnomAD v4.1: 18 of 1,613,658 alleles (0.0011%); highest among the groups gnomAD compares: Non-Finnish European, 0.0014%; no homozygotes.

Submission:

Labcorp Genetics (formerly Invitae), Labcorp
Classification: Uncertain significance for Charcot-Marie-Tooth disease type 4. Last evaluated: 2021-08-28. Review status: criteria provided, single submitter. Criteria: Invitae Variant Classification Sherloc (09022015). Collection method: clinical testing. Allele origin: germline.
Comment: This sequence change replaces proline with threonine at codon 120 of the PRX protein (p.Pro120Thr). The proline residue is highly conserved and there is a small physicochemical difference between proline and threonine. This variant is present in population databases (rs762808329, ExAC 0.005%). This variant has not been reported in the literature in individuals affected with PRX-related conditions. Algorithms developed to predict the effect of missense changes on protein structure and function (SIFT, PolyPhen-2, Align-GVGD) all suggest that this variant is likely to be disruptive. In summary, the available evidence is currently insufficient to determine the role of this variant in disease. Therefore, it has been classified as a Variant of Uncertain Significance.

NM_181882.3(PRX):c.358C>A (p.Pro120Thr)

Gene: PRX (periaxin; minus strand). Cytogenetic location: 19q13.2.
Variant type: single nucleotide variant.
Coding change: c.358C>A on transcript NM_181882.3 (MANE Select); coding-DNA position 358, C replaced by A.
Protein change: p.Pro120Thr; replaces proline 120 with threonine.
Molecular consequence: missense variant.
Genome position (GRCh38, 1-based): chr19:40,398,643, G>T on the plus strand (C>A on the coding strand, the complement: PRX is on the minus strand). VCF-style: chr19-40398643-G-T. GRCh37 (hg19) VCF-style: chr19-40904550-G-T.
Other names: c.358C>A, p.Pro120Thr (NM_020956.2); short protein forms P120T.
Identifiers: ClinVar variation 835433 (VCV000835433.7), dbSNP rs762808329, ClinGen allele CA9444499.